The following is an entry in ClinVar:

ClinVar aggregate classification (germline): Likely benign. Review status: criteria provided, multiple submitters, no conflicts (2 of 4 stars). 3 submissions from 2 submitters: Likely benign (3). Last evaluated 2018-01-13.

Conditions:
Hypophosphatemic rickets, autosomal recessive, 2 (ARHR2). Identifiers: Orphanet 289176, MedGen C2750078, MONDO:0013219, OMIM 613312.
Arterial calcification, generalized, of infancy, 1 (GACI1). Also called: Idiopathic Infantile Arterial Calcification. Identifiers: Orphanet 51608, MedGen C4551985, MONDO:0008817, OMIM 208000.

Allele frequency attached by ClinVar (database versions not stated): TOPMed 0.00112; gnomAD 0.00114 and 0.00117; 1000 Genomes Project 0.00220; 1000 Genomes Project 30x 0.00250.

Submissions (3):

Illumina Laboratory Services, Illumina
Classification: Likely benign for Arterial calcification, generalized, of infancy, 1. Last evaluated: 2018-01-13. Review status: criteria provided, single submitter. Criteria: ICSL Variant Classification Criteria 13 December 2019. Collection method: clinical testing. Allele origin: germline.
Comment: This variant was observed in the ICSL laboratory as part of a predisposition screen in an ostensibly healthy population. It had not been previously curated by ICSL or reported in the Human Gene Mutation Database (HGMD: prior to June 1st, 2018), and was therefore a candidate for classification through an automated scoring system. Utilizing variant allele frequency, disease prevalence and penetrance estimates, and inheritance mode, an automated score was calculated to assess if this variant is too frequent to cause the disease. Based on the score and internal cut-off values, a variant classified as likely benign is not then subjected to further curation. The score for this variant resulted in a classification of likely benign for this disease.

Illumina Laboratory Services, Illumina
Classification: Likely benign for Hypophosphatemic rickets, autosomal recessive, 2. Last evaluated: 2018-01-13. Review status: criteria provided, single submitter. Criteria: ICSL Variant Classification Criteria 13 December 2019. Collection method: clinical testing. Allele origin: germline.
Comment: the same text as in the submission from Illumina Laboratory Services, Illumina above.

Breakthrough Genomics
Classification: Likely benign. Review status: criteria provided, single submitter. Criteria: ACMG Guidelines, 2015. Collection method: not provided. Allele origin: germline. Inheritance: Autosomal recessive inheritance. Affected: yes.

NM_006208.3(ENPP1):c.*1307T>G

Gene: ENPP1 (ectonucleotide pyrophosphatase/phosphodiesterase 1; plus strand). Cytogenetic location: 6q23.2.
Variant type: single nucleotide variant.
Coding change: c.*1307T>G on transcript NM_006208.3 (MANE Select); 1307 bases downstream of the stop codon, T replaced by G.
Molecular consequence: 3 prime UTR variant.
Genome position (GRCh38, 1-based): chr6:131,891,818, T>G. VCF-style: chr6-131891818-T-G. GRCh37 (hg19) VCF-style: chr6-132212958-T-G.
Identifiers: ClinVar variation 907651 (VCV000907651.5), dbSNP rs189263683, ClinGen allele CA147909798.